The following is an entry in ClinVar:

ClinVar aggregate classification (germline): Uncertain significance. Review status: criteria provided, multiple submitters, no conflicts (2 of 4 stars). 2 submissions from 2 submitters: Uncertain significance (2). Last evaluated 2025-08-04.

Allele frequency attached by ClinVar (database versions not stated): gnomAD exomes 0.00002 and 0.00003; ExAC 0.00004; TOPMed 0.00004; gnomAD 0.00006 and 0.00007; ESP Exome Variant Server 0.00015; 1000 Genomes Project 30x 0.00016; 1000 Genomes Project 0.00020.
gnomAD v4.1: 46 of 1,614,112 alleles (0.0028%); highest among the groups gnomAD compares: Non-Finnish European, 0.0037%; no homozygotes.

Submissions (2):

Labcorp Genetics (formerly Invitae), Labcorp
Classification: Uncertain significance. Last evaluated: 2025-08-04. Review status: criteria provided, single submitter. Criteria: Invitae Variant Classification Sherloc (09022015). Collection method: clinical testing. Allele origin: germline.
Comment: This sequence change replaces glycine, which is neutral and non-polar, with arginine, which is basic and polar, at codon 1841 of the SZT2 protein (p.Gly1841Arg). This variant is present in population databases (rs202134094, gnomAD 0.005%). This variant has not been reported in the literature in individuals affected with SZT2-related conditions. ClinVar contains an entry for this variant (Variation ID: 835527). An algorithm developed to predict the effect of missense changes on protein structure and function (PolyPhen-2) suggests that this variant is likely to be disruptive. In summary, the available evidence is currently insufficient to determine the role of this variant in disease. Therefore, it has been classified as a Variant of Uncertain Significance.

CeGaT Center for Human Genetics Tuebingen
Classification: Uncertain significance. Last evaluated: 2024-11-01. Review status: criteria provided, single submitter. Criteria: CeGaT Center For Human Genetics Tuebingen Variant Classification Criteria Version 2. Collection method: clinical testing. Allele origin: germline. Affected: yes. Observed: 1 variant allele.
Comment: SZT2: PM2

NM_001365999.1(SZT2):c.5692G>A (p.Gly1898Arg)

Gene: SZT2 (SZT2 subunit of KICSTOR complex; plus strand). Cytogenetic location: 1p34.2.
Variant type: single nucleotide variant.
Coding change: c.5692G>A on transcript NM_001365999.1 (MANE Select); coding-DNA position 5692, G replaced by A.
Protein change: p.Gly1898Arg; replaces glycine 1898 with arginine.
Molecular consequence: missense variant.
Genome position (GRCh38, 1-based): chr1:43,433,078, G>A. VCF-style: chr1-43433078-G-A. GRCh37 (hg19) VCF-style: chr1-43898749-G-A.
Other names: c.5521G>A, p.Gly1841Arg (NM_015284.4); short protein forms G1898R, G1841R.
Identifiers: ClinVar variation 835527 (VCV000835527.22), dbSNP rs202134094, ClinGen allele CA809667.